The following is an entry in ClinVar:

ClinVar aggregate classification (germline): Uncertain significance (1 of 4 stars; one submission).

Allele frequency attached by ClinVar (database versions not stated): gnomAD exomes 0.00001.
gnomAD v4.1: 14 of 1,611,184 alleles (0.00087%); highest among the groups gnomAD compares: Non-Finnish European, 0.0011%; no homozygotes.

Submission:

Labcorp Genetics (formerly Invitae), Labcorp
Classification: Uncertain significance. Last evaluated: 2022-12-04. Review status: criteria provided, single submitter. Criteria: Invitae Variant Classification Sherloc (09022015). Collection method: clinical testing. Allele origin: germline.
Comment: In summary, the available evidence is currently insufficient to determine the role of this variant in disease. Therefore, it has been classified as a Variant of Uncertain Significance. Algorithms developed to predict the effect of missense changes on protein structure and function (SIFT, PolyPhen-2, Align-GVGD) all suggest that this variant is likely to be tolerated. This variant has not been reported in the literature in individuals affected with CNOT1-related conditions. This variant is not present in population databases (gnomAD no frequency). This sequence change replaces arginine, which is basic and polar, with glutamine, which is neutral and polar, at codon 232 of the CNOT1 protein (p.Arg232Gln).

NM_016284.5(CNOT1):c.695G>A (p.Arg232Gln)

Gene: CNOT1 (CCR4-NOT transcription complex subunit 1; minus strand). Cytogenetic location: 16q21.
Variant type: single nucleotide variant.
Coding change: c.695G>A on transcript NM_016284.5 (MANE Select); coding-DNA position 695, G replaced by A.
Protein change: p.Arg232Gln; replaces arginine 232 with glutamine.
Molecular consequence: missense variant. On other transcripts: non-coding transcript variant (1).
Genome position (GRCh38, 1-based): chr16:58,585,449, C>T on the plus strand (G>A on the coding strand, the complement: CNOT1 is on the minus strand). VCF-style: chr16-58585449-C-T. GRCh37 (hg19) VCF-style: chr16-58619353-C-T.
Other names: c.695G>A, p.Arg232Gln (NM_001265612.2, NM_206999.3); short protein forms R232Q.
Identifiers: ClinVar variation 2776983 (VCV002776983.3), dbSNP rs1354360309, ClinGen allele CA396154203.